The following is an entry in ClinVar:

ClinVar aggregate classification (germline): Conflicting classifications of pathogenicity. Review status: criteria provided, conflicting classifications (1 of 4 stars). 4 submissions from 4 submitters: Uncertain significance (1); Benign (2); Likely benign (1). Last evaluated 2026-08-01.

Conditions:
Neurodevelopmental disorder, nonprogressive, with spasticity and transient opisthotonus. Identifiers: MedGen C5562040, MONDO:0859212, OMIM 619653.
Parkinson disease (PD). Identifiers: MedGen C0030567, MeSH D010300, MONDO:0005180.

Allele frequency attached by ClinVar (database versions not stated): 1000 Genomes Project 0.00220; 1000 Genomes Project 30x 0.00234; gnomAD 0.00326 and 0.00342; TOPMed 0.00334; ESP Exome Variant Server 0.00400; gnomAD exomes 0.00421 and 0.00548; ExAC 0.00433.
gnomAD v4.1: 8,491 of 1,614,044 alleles (0.53%); highest among the groups gnomAD compares: South Asian, 1%; 38 homozygotes.

Submissions (4):

CeGaT Center for Human Genetics Tuebingen
Classification: Benign. Last evaluated: 2026-08-01. Review status: criteria provided, single submitter. Criteria: CeGaT Center For Human Genetics Tuebingen Variant Classification Criteria Version 2. Collection method: clinical testing. Allele origin: germline. Affected: yes. Observed: 14 variant alleles.
Comment: TNR: BP4, BS1, BS2

Centre for Medical Genetics,  Mumbai
Classification: Likely benign for Neurodevelopmental disorder, nonprogressive, with spasticity and transient opisthotonus. Last evaluated: 2026-05-06. Review status: criteria provided, single submitter. Criteria: ACMG Guidelines, 2015. Collection method: provider interpretation. Allele origin: germline. Inheritance: Autosomal recessive inheritance. Affected: no. Observed: 1 variant allele, 1 homozygote.
Comment: The variant satisfies BA1 criteria - Allele frequency is common for disease in population databases. The variant satisfies BS2 criteria - Variant was observed in a homozygous state in population databases more than expected for disease. The variant satisfies BP6 criteria - reputable source recently reports variant as benign, but the evidence is not available to the laboratory to perform an independent evaluation. However, the variant satisfies BS2 criteria - present in homozygous state in an individual that clinically does not have Neurodevelopmental disorder, nonprogressive, with spasticity and transient opisthotonus.

Labcorp Genetics (formerly Invitae), Labcorp
Classification: Benign. Last evaluated: 2019-12-31. Review status: criteria provided, single submitter. Criteria: Invitae Variant Classification Sherloc (09022015). Collection method: clinical testing. Allele origin: germline.

Lupski Lab, Baylor-Hopkins CMG, Baylor College of Medicine
Classification: Uncertain significance for Parkinson disease. Last evaluated: 2016-01-01. Review status: criteria provided, single submitter. Criteria: Farlow et al. (JAMA Neurol 2016). Collection method: research. Allele origin: germline. Inheritance: Autosomal dominant inheritance. Affected: yes. Observed: 2 variant alleles, 2 heterozygotes.

Literature cited by the submitters: PubMed 28334938 (cited by Centre for Medical Genetics,  Mumbai).

NM_003285.3(TNR):c.538A>C (p.Asn180His)

Gene: TNR (tenascin R; minus strand). Cytogenetic location: 1q25.1.
Variant type: single nucleotide variant.
Coding change: c.538A>C on transcript NM_003285.3 (MANE Select); coding-DNA position 538, A replaced by C.
Protein change: p.Asn180His; replaces asparagine 180 with histidine.
Molecular consequence: missense variant. On other transcripts: 5 prime UTR variant (1).
Genome position (GRCh38, 1-based): chr1:175,403,578, T>G on the plus strand (A>C on the coding strand, the complement: TNR is on the minus strand). VCF-style: chr1-175403578-T-G. GRCh37 (hg19) VCF-style: chr1-175372714-T-G.
Other names: c.-358A>C (NM_001328635.2); short protein forms N180H.
Identifiers: ClinVar variation 224863 (VCV000224863.30), dbSNP rs61731112, ClinGen allele CA357981.